The following is an entry in ClinVar:

ClinVar aggregate classification (germline): Uncertain significance (1 of 4 stars; one submission).

Allele frequency attached by ClinVar (database versions not stated): TOPMed below 0.00001; gnomAD 0.00001; gnomAD exomes 0.00001 and 0.00002; ExAC 0.00002.
gnomAD v4.1: 18 of 1,614,052 alleles (0.0011%); highest among the groups gnomAD compares: South Asian, 0.018%; no homozygotes.

Submission:

GeneDx
Classification: Uncertain significance. Last evaluated: 2022-01-03. Review status: criteria provided, single submitter. Criteria: GeneDx Variant Classification Process June 2021. Collection method: clinical testing. Allele origin: germline. Affected: yes.
Comment: Reported in association with dyslipidemia (Dron et al., 2020); however, specific clinical information was not provided; Not observed at significant frequency in large population cohorts (gnomAD); In silico analysis supports that this missense variant has a deleterious effect on protein structure/function; This variant is associated with the following publications: (PMID: 32041611)

NM_005502.4(ABCA1):c.6490C>T (p.Pro2164Ser)

Genes: ABCA1 (ATP binding cassette subfamily A member 1; minus strand), NIPSNAP3B (nipsnap homolog 3B; plus strand). Cytogenetic location: 9q31.1.
Variant type: single nucleotide variant.
Coding change: c.6490C>T on transcript NM_005502.4 (MANE Select); coding-DNA position 6490, C replaced by T.
Protein change: p.Pro2164Ser; replaces proline 2164 with serine.
Molecular consequence: missense variant.
Genome position (GRCh38, 1-based): chr9:104,785,551, G>A on the plus strand (C>T on the coding strand, the complement: ABCA1 is on the minus strand). VCF-style: chr9-104785551-G-A. GRCh37 (hg19) VCF-style: chr9-107547832-G-A.
Other names: short protein forms P2164S.
Identifiers: ClinVar variation 1693354 (VCV001693354.2), dbSNP rs781357198, ClinGen allele CA5167527.
Genomic context (GRCh38, chr9:104,785,551, plus strand): 5'-ATGAAGATGGAAGCTGGTATTGTAGCATGTTCCGGTGTTTCTCTTTTAGAACACTTCCAG[G>A]AAATGCAAGTCCAAAGAAATCCTGGACAGGCTTCAGGTCCGGGTTGGACCCTGCTATTCG-3'
Protein context (NP_005493.2, residues 2154-2174): PVQDFFGLAF[Pro2164Ser]GSVLKEKHRN